The following is an entry in ClinVar:

ClinVar aggregate classification (germline): Uncertain significance (1 of 4 stars; one submission).

gnomAD v4.1: 2 of 1,588,224 alleles (0.00013%); highest among the groups gnomAD compares: Non-Finnish European, 0.000086%; no homozygotes.

Submission:

Labcorp Genetics (formerly Invitae), Labcorp
Classification: Uncertain significance. Last evaluated: 2025-04-29. Review status: criteria provided, single submitter. Criteria: Invitae Variant Classification Sherloc (09022015). Collection method: clinical testing. Allele origin: germline.
Comment: This sequence change falls in intron 22 of the C5 gene. It does not directly change the encoded amino acid sequence of the C5 protein. It affects a nucleotide within the consensus splice site. This variant is not present in population databases (gnomAD no frequency). This variant has not been reported in the literature in individuals affected with C5-related conditions. ClinVar contains an entry for this variant (Variation ID: 1353269). Variants that disrupt the consensus splice site are a relatively common cause of aberrant splicing (PMID: 17576681, 9536098). Algorithms developed to predict the effect of sequence changes on RNA splicing suggest that this variant is not likely to affect RNA splicing. In summary, the available evidence is currently insufficient to determine the role of this variant in disease. Therefore, it has been classified as a Variant of Uncertain Significance.

Literature cited by the submitters: PubMed 17576681; PubMed 9536098.

NM_001735.3(C5):c.2851+6C>T

Gene: C5 (complement C5; minus strand). Cytogenetic location: 9q33.2.
Variant type: single nucleotide variant.
Coding change: c.2851+6C>T on transcript NM_001735.3 (MANE Select); 6 bases into the intron after coding-DNA position 2851, C replaced by T.
Molecular consequence: intron variant.
Genome position (GRCh38, 1-based): chr9:120,996,234, G>A on the plus strand (C>T on the coding strand, the complement: C5 is on the minus strand). VCF-style: chr9-120996234-G-A. GRCh37 (hg19) VCF-style: chr9-123758512-G-A.
Other names: c.2869+6C>T (NM_001317163.2).
Identifiers: ClinVar variation 1353269 (VCV001353269.6), dbSNP rs763487732, ClinGen allele CA466937156.